The following is an entry in ClinVar:

NM_001367624.2(ZNF469):c.11411G>A (p.Ser3804Asn)

Gene: ZNF469 (zinc finger protein 469; plus strand). Cytogenetic location: 16q24.2.
Variant type: single nucleotide variant.
Coding change: c.11411G>A on transcript NM_001367624.2 (MANE Select); coding-DNA position 11411, G replaced by A.
Protein change: p.Ser3804Asn; replaces serine 3804 with asparagine.
Molecular consequence: missense variant.
Genome position (GRCh38, 1-based): chr16:88,438,881, G>A. VCF-style: chr16-88438881-G-A. GRCh37 (hg19) VCF-style: chr16-88505289-G-A.
Other names: NM_001127464.1:c.11327G>A; short protein forms S3804N.
Identifiers: ClinVar variation 1728733 (VCV001728733.2), dbSNP rs1432563096, ClinGen allele CA397130022.

ClinVar aggregate classification (germline): Uncertain significance (1 of 4 stars; one submission).

Conditions:
Cardiovascular phenotype. Identifiers: MedGen CN230736.

Allele frequency attached by ClinVar (database versions not stated): TOPMed below 0.00001.

Submission:

Ambry Genetics
Classification: Uncertain significance for Cardiovascular phenotype. Last evaluated: 2022-03-09. Review status: criteria provided, single submitter. Criteria: Ambry Variant Classification Scheme 2023. Collection method: clinical testing. Allele origin: germline.
Comment: The p.S3776N variant (also known as c.11327G>A), located in coding exon 2 of the ZNF469 gene, results from a G to A substitution at nucleotide position 11327. The serine at codon 3776 is replaced by asparagine, an amino acid with highly similar properties. This amino acid position is conserved. In addition, this alteration is predicted to be tolerated by in silico analysis. Since supporting evidence is limited at this time, the clinical significance of this alteration remains unclear.